The following is an entry in ClinVar:

ClinVar aggregate classification (germline): Uncertain significance (1 of 4 stars; one submission).

Allele frequency attached by ClinVar (database versions not stated): gnomAD 0.00001; TOPMed 0.00002; ExAC 0.00004; gnomAD exomes 0.00004; ESP Exome Variant Server 0.00008.
gnomAD v4.1: 53 of 1,613,846 alleles (0.0033%); highest among the groups gnomAD compares: Middle Eastern, 0.017%; no homozygotes.

Submission:

Labcorp Genetics (formerly Invitae), Labcorp
Classification: Uncertain significance. Last evaluated: 2023-10-14. Review status: criteria provided, single submitter. Criteria: Invitae Variant Classification Sherloc (09022015). Collection method: clinical testing. Allele origin: germline.
Comment: This sequence change replaces alanine, which is neutral and non-polar, with threonine, which is neutral and polar, at codon 1588 of the LCT protein (p.Ala1588Thr). This variant is present in population databases (rs374357262, gnomAD 0.02%). This variant has not been reported in the literature in individuals affected with LCT-related conditions. Advanced modeling of protein sequence and biophysical properties (such as structural, functional, and spatial information, amino acid conservation, physicochemical variation, residue mobility, and thermodynamic stability) performed at Invitae indicates that this missense variant is not expected to disrupt LCT protein function. In summary, the available evidence is currently insufficient to determine the role of this variant in disease. Therefore, it has been classified as a Variant of Uncertain Significance.

NM_002299.4(LCT):c.4762G>A (p.Ala1588Thr)

Gene: LCT (lactase; minus strand). Cytogenetic location: 2q21.3.
Variant type: single nucleotide variant.
Coding change: c.4762G>A on transcript NM_002299.4 (MANE Select); coding-DNA position 4762, G replaced by A.
Protein change: p.Ala1588Thr; replaces alanine 1588 with threonine.
Molecular consequence: missense variant.
Genome position (GRCh38, 1-based): chr2:135,800,711, C>T on the plus strand (G>A on the coding strand, the complement: LCT is on the minus strand). VCF-style: chr2-135800711-C-T. GRCh37 (hg19) VCF-style: chr2-136558281-C-T.
Other names: short protein forms A1588T.
Identifiers: ClinVar variation 2958760 (VCV002958760.1), dbSNP rs374357262, ClinGen allele CA1887776.
Genomic context (GRCh38, chr2:135,800,711, plus strand): 5'-GATCTCTGGGTTCAGCCCAGTCACTGCTGATGGTGATGGAAATCACGCCACCTTGACTGG[C>T]GCGGTACACATCGTTGTACAGATGCCAGGCCTCAGCATGAGCCTTTATTAGATTGTGGCC-3'
Protein context (NP_002290.2, residues 1578-1598): AWHLYNDVYR[Ala1588Thr]SQGGVISITI